The following is an entry in ClinVar:

NM_023036.6(DNAI2):c.137del (p.Pro46fs)

Gene: DNAI2 (dynein axonemal intermediate chain 2; plus strand). Cytogenetic location: 17q25.1.
Variant type: Deletion.
Coding change: c.137del on transcript NM_023036.6 (MANE Select); coding-DNA position 137, one base deleted (C; older notation c.137delC).
Protein change: p.Pro46fs; shifts the reading frame from proline 46.
Molecular consequence: frameshift variant. On other transcripts: non-coding transcript variant (1).
Genome position (GRCh38, 1-based): chr17:74,281,954, C deleted; the last of 3 consecutive C bases (chr17:74,281,952-74,281,954); deleting any one gives the same sequence. VCF-style (leftmost placement, unchanged base first): chr17-74281951-AC-A. GRCh37 (hg19) VCF-style: chr17-72278090-AC-A.
Other names: c.137del, p.Pro46fs (NM_001172810.3, NM_001353167.2); short protein forms P46fs.
Identifiers: ClinVar variation 5007652 (VCV005007652.2).

ClinVar aggregate classification (germline): Likely pathogenic (1 of 4 stars; one submission).

Conditions:
Primary ciliary dyskinesia 9. Also called: CILIARY DYSKINESIA, PRIMARY, 9, WITH OR WITHOUT SITUS INVERSUS. Identifiers: Orphanet 244, MedGen C2676235, MONDO:0012906, OMIM 612444.

Submission:

Juno Genomics, Hangzhou Juno Genomics, Inc
Classification: Likely pathogenic for Primary ciliary dyskinesia 9. Review status: criteria provided, single submitter. Criteria: ACMG Guidelines, 2015. Collection method: clinical testing. Allele origin: germline.
Comment: Absent from controls (or at extremely low frequency if recessive) in Genome Aggregation Database.;Null variant in a gene where loss of function (LOF) is a known mechanism of disease.